The following is an entry in ClinVar:

NM_177438.3(DICER1):c.3509C>T (p.Ala1170Val)

Gene: DICER1 (dicer 1, ribonuclease III; minus strand). Cytogenetic location: 14q32.13.
Variant type: single nucleotide variant.
Coding change: c.3509C>T on transcript NM_177438.3 (MANE Select); coding-DNA position 3509, C replaced by T.
Protein change: p.Ala1170Val; replaces alanine 1170 with valine.
Molecular consequence: missense variant.
Genome position (GRCh38, 1-based): chr14:95,103,887, G>A on the plus strand (C>T on the coding strand, the complement: DICER1 is on the minus strand). VCF-style: chr14-95103887-G-A. GRCh37 (hg19) VCF-style: chr14-95570224-G-A.
Other names: c.3509C>T, p.Ala1170Val (NM_001195573.1, NM_001271282.3, NM_001291628.2 and 1 more transcripts); c.3509C>T (NM_177438.2); short protein forms A1170V.
Identifiers: ClinVar variation 1493496 (VCV001493496.8), dbSNP rs1484416477, ClinGen allele CA390875129.

ClinVar aggregate classification (germline): Uncertain significance. Review status: criteria provided, multiple submitters, no conflicts (2 of 4 stars). 2 submissions from 2 submitters: Uncertain significance (2). Last evaluated 2026-06-14.

Conditions:
Hereditary cancer-predisposing syndrome. Also called: Tumor predisposition; Neoplastic Syndromes, Hereditary; Hereditary Cancer Syndrome; Hereditary neoplastic syndrome. Identifiers: Orphanet 140162, MedGen C0027672, MeSH D009386, MONDO:0015356.
DICER1-related tumor predisposition. Also called: DICER1 syndrome; DICER1-related pleuropulmonary blastoma cancer predisposition syndrome. Identifiers: Orphanet 284343, MedGen C3839822, MONDO:0100216.

gnomAD v4.1: 1 of 1,614,152 alleles (0.000062%); highest among the groups gnomAD compares: South Asian, 0.0011%; no homozygotes.

Submissions (2):

Ambry Genetics
Classification: Uncertain significance for Hereditary cancer-predisposing syndrome. Last evaluated: 2026-06-14. Review status: criteria provided, single submitter. Criteria: Ambry Variant Classification Scheme 2023. Collection method: clinical testing. Allele origin: germline.
Comment: The p.A1170V variant (also known as c.3509C>T), located in coding exon 20 of the DICER1 gene, results from a C to T substitution at nucleotide position 3509. The alanine at codon 1170 is replaced by valine, an amino acid with similar properties. This amino acid position is conserved. In addition, this alteration is predicted to be tolerated by in silico analysis. Based on the available evidence, the clinical significance of this variant remains unclear.

Labcorp Genetics (formerly Invitae), Labcorp
Classification: Uncertain significance for DICER1-related tumor predisposition. Last evaluated: 2021-10-23. Review status: criteria provided, single submitter. Criteria: Invitae Variant Classification Sherloc (09022015). Collection method: clinical testing. Allele origin: germline.
Comment: In summary, the available evidence is currently insufficient to determine the role of this variant in disease. Therefore, it has been classified as a Variant of Uncertain Significance. Algorithms developed to predict the effect of missense changes on protein structure and function (SIFT, PolyPhen-2, Align-GVGD) all suggest that this variant is likely to be tolerated. This variant has not been reported in the literature in individuals affected with DICER1-related conditions. This variant is not present in population databases (ExAC no frequency). This sequence change replaces alanine with valine at codon 1170 of the DICER1 protein (p.Ala1170Val). The alanine residue is weakly conserved and there is a small physicochemical difference between alanine and valine.